The following is an entry in ClinVar:

NM_025144.4(ALPK1):c.1034T>C (p.Val345Ala)

Gene: ALPK1 (alpha kinase 1; plus strand). Cytogenetic location: 4q25.
Variant type: single nucleotide variant.
Coding change: c.1034T>C on transcript NM_025144.4 (MANE Select); coding-DNA position 1034, T replaced by C.
Protein change: p.Val345Ala; replaces valine 345 with alanine.
Molecular consequence: missense variant.
Genome position (GRCh38, 1-based): chr4:112,430,581, T>C. VCF-style: chr4-112430581-T-C. GRCh37 (hg19) VCF-style: chr4-113351737-T-C.
Other names: c.1034T>C, p.Val345Ala (NM_001102406.2); c.800T>C, p.Val267Ala (NM_001253884.2); short protein forms V267A, V345A.
Identifiers: ClinVar variation 1910484 (VCV001910484.5), dbSNP rs2476502579, ClinGen allele CA357893173.

ClinVar aggregate classification (germline): Uncertain significance (1 of 4 stars; one submission).

Allele frequency attached by ClinVar (database versions not stated): gnomAD exomes below 0.00001.
gnomAD v4.1: 6 of 1,614,150 alleles (0.00037%); highest among the groups gnomAD compares: Non-Finnish European, 0.00051%; no homozygotes.

Submission:

Labcorp Genetics (formerly Invitae), Labcorp
Classification: Uncertain significance. Last evaluated: 2022-08-28. Review status: criteria provided, single submitter. Criteria: Invitae Variant Classification Sherloc (09022015). Collection method: clinical testing. Allele origin: germline.
Comment: Algorithms developed to predict the effect of missense changes on protein structure and function output the following: SIFT: "Deleterious"; PolyPhen-2: "Benign"; Align-GVGD: "Class C0". The alanine amino acid residue is found in multiple mammalian species, which suggests that this missense change does not adversely affect protein function. In summary, the available evidence is currently insufficient to determine the role of this variant in disease. Therefore, it has been classified as a Variant of Uncertain Significance. This variant has not been reported in the literature in individuals affected with ALPK1-related conditions. This variant is not present in population databases (gnomAD no frequency). This sequence change replaces valine, which is neutral and non-polar, with alanine, which is neutral and non-polar, at codon 345 of the ALPK1 protein (p.Val345Ala).